The following is an entry in ClinVar:

ClinVar aggregate classification (germline): Conflicting classifications of pathogenicity. Review status: criteria provided, conflicting classifications (1 of 4 stars). 6 submissions from 6 submitters: Likely pathogenic (5); Uncertain significance (1). Last evaluated 2026-06-30.

Conditions:
Pyridoxine-dependent epilepsy (EPEO4). Also called: Pyridoxine-Dependent Epilepsy - ALDH7A1; Pyridoxine-Dependent Seizures; EPILEPSY, EARLY-ONSET, 4, VITAMIN B6-DEPENDENT; PYRIDOXINE DEPENDENCY WITH SEIZURES. Identifiers: Orphanet 3006, MedGen C1849508, MONDO:0009945, OMIM 266100. Disease mechanism: loss of function.
Inborn genetic diseases. Identifiers: MedGen C0950123, MeSH D030342.

Allele frequency attached by ClinVar (database versions not stated): gnomAD 0.00006 and 0.00005; TOPMed 0.00007; gnomAD exomes below 0.00001 and 0.00001; ExAC 0.00002; ESP Exome Variant Server 0.00038.
gnomAD v4.1: 9 of 1,614,020 alleles (0.00056%); highest among the groups gnomAD compares: African/African-American, 0.012%; no homozygotes.

Submissions (6):

Ambry Genetics
Classification: Likely pathogenic for Inborn genetic diseases. Last evaluated: 2026-06-30. Review status: criteria provided, single submitter. Criteria: Ambry Variant Classification Scheme 2023. Collection method: clinical testing. Allele origin: germline.
Comment: The c.529G>C (p.A177P) alteration is located in exon 6 (coding exon 6) of the ALDH7A1 gene. This alteration results from a G to C substitution at nucleotide position 529, causing the alanine (A) at amino acid position 177 to be replaced by a proline (P). This variant has been identified in the homozygous state and/or in conjunction with other ALDH7A1 variant(s) in individual(s) with features consistent with ALDH7A1-related pyridoxine-dependent epilepsy; in at least one instance, the variants were identified in trans (Coughlin, 2019; Ambry internal data). Based on data from gnomAD, the C allele has an overall frequency of 0.002% (5/282794) total alleles studied. The highest observed frequency was 0.02% (5/24962) of African alleles. Based on internal structural analysis, this variant is anticipated to result in a significant decrease in structural stability (Korasick, 2017; Brocker, 2010; Ambry internal data). This amino acid position is well conserved in available vertebrate species. The in silico prediction by BayesDel for this alteration is inconclusive. Based on the majority of available evidence to date, this variant is likely to be pathogenic.

Labcorp Genetics (formerly Invitae), Labcorp
Classification: Likely pathogenic for Pyridoxine-dependent epilepsy. Last evaluated: 2025-10-10. Review status: criteria provided, single submitter. Criteria: Invitae Variant Classification Sherloc (09022015). Collection method: clinical testing. Allele origin: germline.
Comment: This sequence change replaces alanine, which is neutral and non-polar, with proline, which is neutral and non-polar, at codon 177 of the ALDH7A1 protein (p.Ala177Pro). This variant is present in population databases (rs140102105, gnomAD 0.02%). This missense change has been observed in individual(s) with clinical features of pyridoxine-dependent epilepsy (PMID: 30043187). ClinVar contains an entry for this variant (Variation ID: 265032). Invitae Evidence Modeling of protein sequence and biophysical properties (such as structural, functional, and spatial information, amino acid conservation, physicochemical variation, residue mobility, and thermodynamic stability) has been performed for this missense variant. However, the output from this modeling did not meet the statistical confidence thresholds required to predict the impact of this variant on ALDH7A1 protein function. This variant disrupts the p.Ala177 amino acid residue in ALDH7A1. Other variant(s) that disrupt this residue have been determined to be pathogenic (PMID: 20554659, 24664088, 24942048; internal data). This suggests that this residue is clinically significant, and that variants that disrupt this residue are likely to be disease-causing. In summary, the currently available evidence indicates that the variant is pathogenic, but additional data are needed to prove that conclusively. Therefore, this variant has been classified as Likely Pathogenic.

Fulgent Genetics
Classification: Likely pathogenic for Pyridoxine-dependent epilepsy. Last evaluated: 2024-04-26. Review status: criteria provided, single submitter. Criteria: ACMG Guidelines, 2015. Collection method: clinical testing. Allele origin: germline.

Women's Health and Genetics/Laboratory Corporation of America, LabCorp
Classification: Uncertain significance. Last evaluated: 2024-04-17. Review status: criteria provided, single submitter. Criteria: LabCorp Variant Classification Summary - May 2015. Collection method: clinical testing. Allele origin: germline.
Comment: Variant summary: ALDH7A1 c.529G>C (p.Ala177Pro) results in a non-conservative amino acid change located in the aldehyde dehydrogenase domain (IPR015590) of the encoded protein sequence. Four of five in-silico tools predict a damaging effect of the variant on protein function. The variant allele was found at a frequency of 1.2e-05 in 251398 control chromosomes. c.529G>C has been reported in the literature in at least one compound heterozygous individual affected with Pyridoxine-Dependent Epilepsy (e.g. Coughlin_2019). These data do not allow sufficient evidence to provide any conclusion about variant significance. To our knowledge, no experimental evidence demonstrating an impact on protein function has been reported. A different variant located at the same codon (c.530C>A, p.A177E) has been classified as pathogenic in ClinVar, supporting a critical relevance of this residue to ALDH7A1 protein function. The following publication has been ascertained in the context of this evaluation (PMID: 30043187). ClinVar contains an entry for this variant (Variation ID: 265032). Based on the evidence outlined above, the variant was classified as VUS-possibly pathogenic.

Revvity Omics, Revvity
Classification: Likely pathogenic for Pyridoxine-dependent epilepsy. Last evaluated: 2019-11-30. Review status: criteria provided, single submitter. Criteria: ACMG Guidelines, 2015. Collection method: clinical testing. Allele origin: germline.

GeneDx
Classification: Likely pathogenic. Last evaluated: 2018-03-09. Review status: criteria provided, single submitter. Criteria: GeneDx Variant Classification (06012015). Collection method: clinical testing. Allele origin: germline. Affected: yes.
Comment: A likely pathogenic variant has been identified in the ALDH7A1 gene. The A177P variant has not been published as a pathogenic variant, nor has it been reported as a benign variant to our knowledge. A different amino acid substitution at the same position (A177E, published as A149E) was reported in two patients with pyridoxine dependent epilepsy who had a second ALDH7A1 pathogenic variant on the other chromosome (Mills et al., 2010; Jain-Ghai et al., 2014). The A177P variant was not observed at a significant frequency in large population cohorts (Lek et al). The A177P variant is a semi-conservative amino acid substitution, which may impact secondary protein structure as these residues differ in some properties. In silico analysis, which includes protein predictors and evolutionary conservation, supports a deleterious effect. Therefore, this variant is likely pathogenic; however, the possibility that it is benign cannot be excluded.

Literature cited by the submitters: PubMed 20207735 (cited by Ambry Genetics); PubMed 28087462 (cited by Ambry Genetics); PubMed 30043187 (cited by 3 submitters); PubMed 20554659 (cited by Labcorp Genetics (formerly Invitae), Labcorp); PubMed 24664088 (cited by Labcorp Genetics (formerly Invitae), Labcorp); PubMed 24942048 (cited by Labcorp Genetics (formerly Invitae), Labcorp).

NM_001182.5(ALDH7A1):c.529G>C (p.Ala177Pro)

Gene: ALDH7A1 (aldehyde dehydrogenase 7 family member A1; minus strand). Cytogenetic location: 5q23.2.
Variant type: single nucleotide variant.
Coding change: c.529G>C on transcript NM_001182.5 (MANE Select); coding-DNA position 529, G replaced by C.
Protein change: p.Ala177Pro; replaces alanine 177 with proline.
Molecular consequence: missense variant.
Genome position (GRCh38, 1-based): chr5:126,577,200, C>G on the plus strand (G>C on the coding strand, the complement: ALDH7A1 is on the minus strand). VCF-style: chr5-126577200-C-G. GRCh37 (hg19) VCF-style: chr5-125912892-C-G.
Other names: c.445G>C, p.Ala149Pro (NM_001201377.2); c.529G>C, p.Ala177Pro (NM_001202404.2); short protein forms A177P, A149P.
Identifiers: ClinVar variation 265032 (VCV000265032.17), dbSNP rs140102105, ClinGen allele CA3389735.